The following is an entry in ClinVar:

NM_001457.4(FLNB):c.2745+6G>A

Gene: FLNB (filamin B; plus strand). Cytogenetic location: 3p14.3.
Variant type: single nucleotide variant.
Coding change: c.2745+6G>A on transcript NM_001457.4 (MANE Select); 6 bases into the intron after coding-DNA position 2745, G replaced by A.
Molecular consequence: intron variant.
Genome position (GRCh38, 1-based): chr3:58,112,324, G>A. VCF-style: chr3-58112324-G-A. GRCh37 (hg19) VCF-style: chr3-58098051-G-A.
Other names: c.2745+6G>A (NM_001164317.2, NM_001164318.2, NM_001164319.2).
Identifiers: ClinVar variation 3010179 (VCV003010179.3), dbSNP rs915723265, ClinGen allele CA75437606.

ClinVar aggregate classification (germline): Uncertain significance (1 of 4 stars; one submission).

Allele frequency attached by ClinVar (database versions not stated): gnomAD 0.00001; gnomAD exomes 0.00001; TOPMed 0.00001.
gnomAD v4.1: 15 of 1,612,796 alleles (0.00093%); highest among the groups gnomAD compares: South Asian, 0.0022%; no homozygotes.

Submission:

Labcorp Genetics (formerly Invitae), Labcorp
Classification: Uncertain significance. Last evaluated: 2025-02-27. Review status: criteria provided, single submitter. Criteria: Invitae Variant Classification Sherloc (09022015). Collection method: clinical testing. Allele origin: germline.
Comment: This sequence change falls in intron 18 of the FLNB gene. It does not directly change the encoded amino acid sequence of the FLNB protein. It affects a nucleotide within the consensus splice site. This variant is present in population databases (no rsID available, gnomAD 0.006%). This variant has not been reported in the literature in individuals affected with FLNB-related conditions. ClinVar contains an entry for this variant (Variation ID: 3010179). Variants that disrupt the consensus splice site are a relatively common cause of aberrant splicing (PMID: 17576681, 9536098). Algorithms developed to predict the effect of sequence changes on RNA splicing suggest that this variant is not likely to affect RNA splicing. In summary, the available evidence is currently insufficient to determine the role of this variant in disease. Therefore, it has been classified as a Variant of Uncertain Significance.

Literature cited by the submitters: PubMed 17576681; PubMed 9536098.